The following is an entry in ClinVar:

ClinVar aggregate classification (germline): Uncertain significance (1 of 4 stars; one submission).

Allele frequency attached by ClinVar (database versions not stated): gnomAD exomes below 0.00001.
gnomAD v4.1: 2 of 1,601,628 alleles (0.00012%); highest among the groups gnomAD compares: Non-Finnish European, 0.00017%; no homozygotes.

Submission:

Labcorp Genetics (formerly Invitae), Labcorp
Classification: Uncertain significance. Last evaluated: 2022-08-03. Review status: criteria provided, single submitter. Criteria: Invitae Variant Classification Sherloc (09022015). Collection method: clinical testing. Allele origin: germline.
Comment: This sequence change replaces threonine, which is neutral and polar, with alanine, which is neutral and non-polar, at codon 1126 of the DHX38 protein (p.Thr1126Ala). This variant is present in population databases (no rsID available, gnomAD 0.0009%). This variant has not been reported in the literature in individuals affected with DHX38-related conditions. Algorithms developed to predict the effect of missense changes on protein structure and function (SIFT, PolyPhen-2, Align-GVGD) all suggest that this variant is likely to be tolerated. In summary, the available evidence is currently insufficient to determine the role of this variant in disease. Therefore, it has been classified as a Variant of Uncertain Significance.

NM_014003.4(DHX38):c.3376A>G (p.Thr1126Ala)

Gene: DHX38 (DEAH-box helicase 38; plus strand). Cytogenetic location: 16q22.2.
Variant type: single nucleotide variant.
Coding change: c.3376A>G on transcript NM_014003.4 (MANE Select); coding-DNA position 3376, A replaced by G.
Protein change: p.Thr1126Ala; replaces threonine 1126 with alanine.
Molecular consequence: missense variant.
Genome position (GRCh38, 1-based): chr16:72,108,920, A>G. VCF-style: chr16-72108920-A-G. GRCh37 (hg19) VCF-style: chr16-72142819-A-G.
Other names: short protein forms T1126A.
Identifiers: ClinVar variation 2118207 (VCV002118207.1), dbSNP rs1206025368, ClinGen allele CA396716991.